The following is an entry in ClinVar:

ClinVar aggregate classification (germline): Pathogenic/Likely pathogenic. Review status: criteria provided, multiple submitters, no conflicts (2 of 4 stars). 3 submissions from 3 submitters: Pathogenic (2); Likely pathogenic (1). Last evaluated 2025-02-10.

Conditions:
Familial cancer of breast. Also called: BREAST CANCER, FAMILIAL; hereditary breast carcinoma; Hereditary breast cancer. Identifiers: Orphanet 227535, MedGen C0346153, MONDO:0016419, OMIM 114480. Disease mechanism: loss of function.
PALB2-related disorder. Also called: PALB2-related disorders; PALB2-related condition.

Submissions (3):

Labcorp Genetics (formerly Invitae), Labcorp
Classification: Pathogenic for Familial cancer of breast. Last evaluated: 2025-02-10. Review status: criteria provided, single submitter. Criteria: Invitae Variant Classification Sherloc (09022015). Collection method: clinical testing. Allele origin: germline.
Comment: This sequence change creates a premature translational stop signal (p.Glu1002*) in the PALB2 gene. It is expected to result in an absent or disrupted protein product. Loss-of-function variants in PALB2 are known to be pathogenic (PMID: 17200668, 17200671, 17200672, 24136930, 25099575). This variant is not present in population databases (gnomAD no frequency). This variant has not been reported in the literature in individuals affected with PALB2-related conditions. ClinVar contains an entry for this variant (Variation ID: 2123068). For these reasons, this variant has been classified as Pathogenic.

Blueprint Genetics
Classification: Likely pathogenic for PALB2-related disorders. Last evaluated: 2024-11-26. Review status: criteria provided, single submitter. Criteria: ACMG Guidelines, 2015. Collection method: clinical testing. Allele origin: germline. Affected: yes. Observed: 1 variant allele.

Myriad Genetics, Inc.
Classification: Pathogenic for Familial cancer of breast. Last evaluated: 2023-09-14. Review status: criteria provided, single submitter. Criteria: Myriad Autosomal Dominant, Autosomal Recessive and X-Linked Classification Criteria (2023). Collection method: clinical testing. Allele origin: unknown.
Comment: This variant is considered pathogenic. This variant creates a termination codon and is predicted to result in premature protein truncation.

Literature cited by the submitters: PubMed 17200668 (cited by Labcorp Genetics (formerly Invitae), Labcorp); PubMed 17200671 (cited by Labcorp Genetics (formerly Invitae), Labcorp); PubMed 17200672 (cited by Labcorp Genetics (formerly Invitae), Labcorp); PubMed 24136930 (cited by Labcorp Genetics (formerly Invitae), Labcorp); PubMed 25099575 (cited by Labcorp Genetics (formerly Invitae), Labcorp).

NM_024675.4(PALB2):c.3004G>T (p.Glu1002Ter)

Gene: PALB2 (partner and localizer of BRCA2; minus strand). Cytogenetic location: 16p12.2.
Variant type: single nucleotide variant.
Coding change: c.3004G>T on transcript NM_024675.4 (MANE Select); coding-DNA position 3004, G replaced by T.
Protein change: p.Glu1002Ter; replaces glutamic acid 1002 with a stop codon.
Molecular consequence: nonsense.
Genome position (GRCh38, 1-based): chr16:23,621,471, C>A on the plus strand (G>T on the coding strand, the complement: PALB2 is on the minus strand). VCF-style: chr16-23621471-C-A. GRCh37 (hg19) VCF-style: chr16-23632792-C-A.
Other names: c.2944G>T, p.Glu982Ter (NM_001407296.1); c.2932G>T, p.Glu978Ter (NM_001407297.1); c.2842G>T, p.Glu948Ter (NM_001407298.1, NM_001407302.1); c.3004G>T, p.Glu1002Ter (NM_001407299.1, NM_001407301.1); c.2119G>T, p.Glu707Ter (NM_001407304.1, NM_001407305.1, NM_001407306.1 and 4 more transcripts); c.1957G>T, p.Glu653Ter (NM_001407307.1); c.1216G>T, p.Glu406Ter (NM_001407312.1, NM_001407313.1); c.538G>T, p.Glu180Ter (NM_001407314.1); short protein forms E653*, E1002*, E978*, E982*, E180*, E406*, E707*, E948*.
Identifiers: ClinVar variation 2123068 (VCV002123068.6), dbSNP rs2142328421, ClinGen allele CA395143203.